The following is an entry in ClinVar:

NM_001375405.1(CEP120):c.878A>T (p.Lys293Met)

Gene: CEP120 (centrosomal protein 120; minus strand). Cytogenetic location: 5q23.2.
Variant type: single nucleotide variant.
Coding change: c.878A>T on transcript NM_001375405.1 (MANE Select); coding-DNA position 878, A replaced by T.
Protein change: p.Lys293Met; replaces lysine 293 with methionine.
Molecular consequence: missense variant. On other transcripts: non-coding transcript variant (1).
Genome position (GRCh38, 1-based): chr5:123,391,270, T>A on the plus strand (A>T on the coding strand, the complement: CEP120 is on the minus strand). VCF-style: chr5-123391270-T-A. GRCh37 (hg19) VCF-style: chr5-122726964-T-A.
Other names: c.800A>T, p.Lys267Met (NM_001166226.2); c.878A>T, p.Lys293Met (NM_001375406.1, NM_001375407.1, NM_153223.4); c.305A>T, p.Lys102Met (NM_001375408.1, NM_001375409.1); short protein forms K102M, K267M, K293M.
Identifiers: ClinVar variation 1700936 (VCV001700936.2), dbSNP rs1772376862, ClinGen allele CA360892140.
Genomic context (GRCh38, chr5:123,391,270, plus strand): 5'-GGGTCAAGGGTAAAAGCACCTTCGACTGTGACTGGGTGCTGGTTGATTTCTGTACTGCCC[T>A]TTTTAAGTAATCCAGTTAAAGGTATTTCTGTACTTCCAAGTGACTGGTCTCCACAGCAGA-3'
Protein context (NP_001362334.1, residues 283-303): TEIPLTGLLK[Lys293Met]GSTEINQHPV

ClinVar aggregate classification (germline): Uncertain significance (1 of 4 stars; one submission).

Allele frequency attached by ClinVar (database versions not stated): gnomAD 0.00001; gnomAD exomes 0.00001.
gnomAD v4.1: 6 of 1,614,056 alleles (0.00037%); highest among the groups gnomAD compares: Middle Eastern, 0.033%; no homozygotes.

Submission:

GeneDx
Classification: Uncertain significance. Last evaluated: 2022-02-15. Review status: criteria provided, single submitter. Criteria: GeneDx Variant Classification Process June 2021. Collection method: clinical testing. Allele origin: germline. Affected: yes.
Comment: Not observed at significant frequency in large population cohorts (gnomAD); In silico analysis supports that this missense variant has a deleterious effect on protein structure/function; Has not been previously published as pathogenic or benign to our knowledge